The following is an entry in ClinVar:

ClinVar aggregate classification (germline): Uncertain significance (1 of 4 stars; one submission).

Conditions:
Cardiovascular phenotype. Identifiers: MedGen CN230736.

gnomAD v4.1: 7 of 1,613,678 alleles (0.00043%); highest among the groups gnomAD compares: South Asian, 0.0044%; no homozygotes.

Submission:

Ambry Genetics
Classification: Uncertain significance for Cardiovascular phenotype. Last evaluated: 2025-02-27. Review status: criteria provided, single submitter. Criteria: Ambry Variant Classification Scheme 2023. Collection method: clinical testing. Allele origin: germline.
Comment: The p.Q513R variant (also known as c.1538A>G), located in coding exon 16 of the EYA4 gene, results from an A to G substitution at nucleotide position 1538. The glutamine at codon 513 is replaced by arginine, an amino acid with highly similar properties. This amino acid position is conserved. In addition, this alteration is predicted to be deleterious by in silico analysis. Based on the available evidence, the clinical significance of this variant remains unclear.

NM_004100.5(EYA4):c.1538A>G (p.Gln513Arg)

Genes: EYA4 (EYA transcriptional coactivator and phosphatase 4; plus strand), TARID (TCF21 antisense RNA inducing promoter demethylation; minus strand). Cytogenetic location: 6q23.2.
Variant type: single nucleotide variant.
Coding change: c.1538A>G on transcript NM_004100.5 (MANE Select); coding-DNA position 1538, A replaced by G.
Protein change: p.Gln513Arg; replaces glutamine 513 with arginine.
Molecular consequence: missense variant.
Genome position (GRCh38, 1-based): chr6:133,515,357, A>G. VCF-style: chr6-133515357-A-G. GRCh37 (hg19) VCF-style: chr6-133836495-A-G.
Other names: c.1376A>G, p.Gln459Arg (NM_001301012.2); c.1556A>G, p.Gln519Arg (NM_001301013.2); c.1469A>G, p.Gln490Arg (NM_001370458.1, NM_172103.4); c.1394A>G, p.Gln465Arg (NM_001370459.1); c.1538A>G, p.Gln513Arg (NM_172105.4); short protein forms Q465R, Q490R, Q519R, Q459R, Q513R.
Identifiers: ClinVar variation 3846937 (VCV003846937.1).